The following is an entry in ClinVar:

ClinVar aggregate classification (germline): Uncertain significance. Review status: criteria provided, multiple submitters, no conflicts (2 of 4 stars). 2 submissions from 2 submitters: Uncertain significance (2). Last evaluated 2025-10-14.

gnomAD v4.1: 29 of 1,483,576 alleles (0.002%); highest among the groups gnomAD compares: Non-Finnish European, 0.0025%; 1 homozygote.

Submissions (2):

Labcorp Genetics (formerly Invitae), Labcorp
Classification: Uncertain significance. Last evaluated: 2025-10-14. Review status: criteria provided, single submitter. Criteria: Invitae Variant Classification Sherloc (09022015). Collection method: clinical testing. Allele origin: germline.
Comment: This sequence change replaces valine, which is neutral and non-polar, with alanine, which is neutral and non-polar, at codon 34 of the OVOL2 protein (p.Val34Ala). This variant is not present in population databases (gnomAD no frequency). This variant has not been reported in the literature in individuals affected with OVOL2-related conditions. ClinVar contains an entry for this variant (Variation ID: 3412877). An algorithm developed to predict the effect of missense changes on protein structure and function (PolyPhen-2) suggests that this variant is likely to be tolerated. In summary, the available evidence is currently insufficient to determine the role of this variant in disease. Therefore, it has been classified as a Variant of Uncertain Significance.

Ambry Genetics
Classification: Uncertain significance. Last evaluated: 2024-08-14. Review status: criteria provided, single submitter. Criteria: Ambry Variant Classification Scheme 2023. Collection method: clinical testing. Allele origin: germline.

NM_021220.4(OVOL2):c.101T>C (p.Val34Ala)

Gene: OVOL2 (ovo like zinc finger 2; minus strand). Cytogenetic location: 20p11.23.
Variant type: single nucleotide variant.
Coding change: c.101T>C on transcript NM_021220.4 (MANE Select); coding-DNA position 101, T replaced by C.
Protein change: p.Val34Ala; replaces valine 34 with alanine.
Molecular consequence: missense variant. On other transcripts: 5 prime UTR variant (1), intron variant (1).
Genome position (GRCh38, 1-based): chr20:18,056,877, A>G on the plus strand (T>C on the coding strand, the complement: OVOL2 is on the minus strand). VCF-style: chr20-18056877-A-G. GRCh37 (hg19) VCF-style: chr20-18037521-A-G.
Other names: c.-296T>C (NM_001303461.1); c.-76+2203T>C (NM_001303462.1); short protein forms V34A.
Identifiers: ClinVar variation 3412877 (VCV003412877.2).